The following is an entry in ClinVar:

NM_021116.4(ADCY1):c.2071G>A (p.Val691Met)

Gene: ADCY1 (adenylate cyclase 1; plus strand). Cytogenetic location: 7p12.3.
Variant type: single nucleotide variant.
Coding change: c.2071G>A on transcript NM_021116.4 (MANE Select); coding-DNA position 2071, G replaced by A.
Protein change: p.Val691Met; replaces valine 691 with methionine.
Molecular consequence: missense variant.
Genome position (GRCh38, 1-based): chr7:45,685,066, G>A. VCF-style: chr7-45685066-G-A. GRCh37 (hg19) VCF-style: chr7-45724665-G-A.
Other names: short protein forms V691M.
Identifiers: ClinVar variation 3004604 (VCV003004604.3), dbSNP rs1286827331, ClinGen allele CA367438343.

ClinVar aggregate classification (germline): Uncertain significance (1 of 4 stars; one submission).

Allele frequency attached by ClinVar (database versions not stated): TOPMed 0.00001; gnomAD exomes 0.00002; gnomAD 0.00001.
gnomAD v4.1: 28 of 1,613,538 alleles (0.0017%); highest among the groups gnomAD compares: Non-Finnish European, 0.0024%; no homozygotes.

Submission:

Labcorp Genetics (formerly Invitae), Labcorp
Classification: Uncertain significance. Last evaluated: 2025-09-02. Review status: criteria provided, single submitter. Criteria: Invitae Variant Classification Sherloc (09022015). Collection method: clinical testing. Allele origin: germline.
Comment: This sequence change replaces valine, which is neutral and non-polar, with methionine, which is neutral and non-polar, at codon 691 of the ADCY1 protein (p.Val691Met). This variant is not present in population databases (gnomAD no frequency). This variant has not been reported in the literature in individuals affected with ADCY1-related conditions. ClinVar contains an entry for this variant (Variation ID: 3004604). An algorithm developed to predict the effect of missense changes on protein structure and function outputs the following: PolyPhen-2: "Benign". The methionine amino acid residue is found in multiple mammalian species, which suggests that this missense change does not adversely affect protein function. In summary, the available evidence is currently insufficient to determine the role of this variant in disease. Therefore, it has been classified as a Variant of Uncertain Significance.